The following is an entry in ClinVar:

NM_001123385.2(BCOR):c.5096G>A (p.Arg1699Gln)

Gene: BCOR (BCL6 corepressor; minus strand). Cytogenetic location: Xp11.4.
Variant type: single nucleotide variant.
Coding change: c.5096G>A on transcript NM_001123385.2 (MANE Select); coding-DNA position 5096, G replaced by A.
Protein change: p.Arg1699Gln; replaces arginine 1699 with glutamine.
Molecular consequence: missense variant.
Genome position (GRCh38, 1-based): chrX:40,052,281, C>T on the plus strand (G>A on the coding strand, the complement: BCOR is on the minus strand). VCF-style: chrX-40052281-C-T. GRCh37 (hg19) VCF-style: chrX-39911534-C-T.
Other names: c.4994G>A, p.Arg1665Gln (NM_001123383.2, NM_017745.6); c.4940G>A, p.Arg1647Gln (NM_001123384.2); short protein forms R1647Q, R1665Q, R1699Q.
Identifiers: ClinVar variation 3603863 (VCV003603863.3).
Genomic context (GRCh38, chrX:40,052,281, plus strand): 5'-TCAGGGTTGAAGGCTTCCAGGTCTTTGGAGCAAGAGAACAAGAGACTTGCAGAAACCTGC[C>T]GATAAAATTCTGCCTCTGCAATGGTGACAATTTCCACGTTTGGAAAATTGCAGCGAAATA-3'
Protein context (NP_001116857.1, residues 1689-1709): IVTIAEAEFY[Arg1699Gln]QVSASLLFSC

ClinVar aggregate classification (germline): Conflicting classifications of pathogenicity. Review status: criteria provided, conflicting classifications (1 of 4 stars). 2 submissions from 2 submitters: Uncertain significance (1); Likely benign (1). Last evaluated 2024-10-03.

Conditions:
Oculofaciocardiodental syndrome (MCOPS2). Identifiers: Orphanet 2712, MedGen C1846265, MONDO:0010261, OMIM 300166.
BCOR-related disorder. Also called: BCOR-related disorders; BCOR-related condition.

gnomAD v4.1: 41 of 1,210,451 alleles (0.0034%); highest among the groups gnomAD compares: Non-Finnish European, 0.0038%; no homozygotes.

Submissions (2):

PreventionGenetics, part of Exact Sciences
Classification: Likely benign for BCOR-related condition. Last evaluated: 2024-10-03. Review status: criteria provided, single submitter. Criteria: ACMG Guidelines, 2015. Collection method: clinical testing. Allele origin: germline.
Comment: This variant is classified as likely benign based on ACMG/AMP sequence variant interpretation guidelines (Richards et al. 2015 PMID: 25741868, with internal and published modifications).

Labcorp Genetics (formerly Invitae), Labcorp
Classification: Uncertain significance for Oculofaciocardiodental syndrome. Last evaluated: 2024-05-20. Review status: criteria provided, single submitter. Criteria: Invitae Variant Classification Sherloc (09022015). Collection method: clinical testing. Allele origin: germline.
Comment: This sequence change replaces arginine, which is basic and polar, with glutamine, which is neutral and polar, at codon 1665 of the BCOR protein (p.Arg1665Gln). This variant is present in population databases (rs200762216, gnomAD 0.01%). This variant has not been reported in the literature in individuals affected with BCOR-related conditions. Advanced modeling of protein sequence and biophysical properties (such as structural, functional, and spatial information, amino acid conservation, physicochemical variation, residue mobility, and thermodynamic stability) performed at Invitae indicates that this missense variant is not expected to disrupt BCOR protein function with a negative predictive value of 80%. In summary, the available evidence is currently insufficient to determine the role of this variant in disease. Therefore, it has been classified as a Variant of Uncertain Significance.